The following is an entry in ClinVar:

ClinVar aggregate classification (germline): Uncertain significance. Review status: criteria provided, multiple submitters, no conflicts (2 of 4 stars). 5 submissions from 5 submitters: Uncertain significance (5). Last evaluated 2024-03-01.

Conditions:
Senior-Loken syndrome 4 (SLSN4). Identifiers: Orphanet 3156, MedGen C1846979, MONDO:0011756, OMIM 606996.
Nephronophthisis 4 (NPHP4). Also called: NEPHRONOPHTHISIS 4, JUVENILE. Identifiers: Orphanet 655, MedGen C1847013, MONDO:0011752, OMIM 606966.
Inborn genetic diseases. Identifiers: MedGen C0950123, MeSH D030342.
Nephronophthisis. Also called: Juvenile Nephronophthisis. Identifiers: Orphanet 655, MedGen C0687120, MONDO:0019005, HP:0000090.

Allele frequency attached by ClinVar (database versions not stated): gnomAD exomes 0.00001; gnomAD 0.00002 and 0.00003; TOPMed 0.00007.
gnomAD v4.1: 29 of 1,592,360 alleles (0.0018%); highest among the groups gnomAD compares: Admixed American, 0.0084%; no homozygotes.

Submissions (5):

Ambry Genetics
Classification: Uncertain significance for Inborn genetic diseases. Last evaluated: 2024-03-01. Review status: criteria provided, single submitter. Criteria: Ambry Variant Classification Scheme 2023. Collection method: clinical testing. Allele origin: germline.

Blueprint Genetics
Classification: Uncertain significance. Last evaluated: 2023-01-10. Review status: criteria provided, single submitter. Criteria: ACMG Guidelines, 2015. Collection method: clinical testing. Allele origin: germline.

Labcorp Genetics (formerly Invitae), Labcorp
Classification: Uncertain significance for Nephronophthisis. Last evaluated: 2022-08-10. Review status: criteria provided, single submitter. Criteria: Invitae Variant Classification Sherloc (09022015). Collection method: clinical testing. Allele origin: germline.
Comment: In summary, the available evidence is currently insufficient to determine the role of this variant in disease. Therefore, it has been classified as a Variant of Uncertain Significance. Algorithms developed to predict the effect of missense changes on protein structure and function are either unavailable or do not agree on the potential impact of this missense change (SIFT: "Deleterious"; PolyPhen-2: "Probably Damaging"; Align-GVGD: "Class C0"). ClinVar contains an entry for this variant (Variation ID: 500153). This variant has not been reported in the literature in individuals affected with NPHP4-related conditions. The frequency data for this variant in the population databases is considered unreliable, as metrics indicate poor data quality at this position in the gnomAD database. This sequence change replaces valine, which is neutral and non-polar, with methionine, which is neutral and non-polar, at codon 874 of the NPHP4 protein (p.Val874Met).

Fulgent Genetics
Classification: Uncertain significance for Nephronophthisis 4; Senior-Loken syndrome 4. Last evaluated: 2022-02-10. Review status: criteria provided, single submitter. Criteria: ACMG Guidelines, 2015. Collection method: clinical testing. Allele origin: unknown.

Eurofins Ntd Llc (ga)
Classification: Uncertain significance. Last evaluated: 2018-04-19. Review status: criteria provided, single submitter. Criteria: EGL ClinVar v180209 classification definitions. Collection method: clinical testing. Allele origin: germline. Observed: 2 variant alleles, 2 heterozygotes.

NM_015102.5(NPHP4):c.2620G>A (p.Val874Met)

Gene: NPHP4 (nephrocystin 4; minus strand). Cytogenetic location: 1p36.31.
Variant type: single nucleotide variant.
Coding change: c.2620G>A on transcript NM_015102.5 (MANE Select); coding-DNA position 2620, G replaced by A.
Protein change: p.Val874Met; replaces valine 874 with methionine.
Molecular consequence: missense variant. On other transcripts: non-coding transcript variant (1).
Genome position (GRCh38, 1-based): chr1:5,877,290, C>T on the plus strand (G>A on the coding strand, the complement: NPHP4 is on the minus strand). VCF-style: chr1-5877290-C-T. GRCh37 (hg19) VCF-style: chr1-5937350-C-T.
Other names: c.1081G>A, p.Val361Met (NM_001291593.2); c.1084G>A, p.Val362Met (NM_001291594.2); c.2620G>A (NM_015102.3); short protein forms V874M, V362M, V361M.
Identifiers: ClinVar variation 500153 (VCV000500153.10), dbSNP rs1412960310, ClinGen allele CA338057550.